The following is an entry in ClinVar:

NM_173660.5(DOK7):c.1261C>G (p.Pro421Ala)

Gene: DOK7 (docking protein 7; plus strand). Cytogenetic location: 4p16.3.
Variant type: single nucleotide variant.
Coding change: c.1261C>G on transcript NM_173660.5 (MANE Select); coding-DNA position 1261, C replaced by G.
Protein change: p.Pro421Ala; replaces proline 421 with alanine.
Molecular consequence: missense variant. On other transcripts: 3 prime UTR variant (1).
Genome position (GRCh38, 1-based): chr4:3,493,247, C>G. VCF-style: chr4-3493247-C-G. GRCh37 (hg19) VCF-style: chr4-3494974-C-G.
Other names: c.*482C>G (NM_001164673.2); c.331C>G, p.Pro111Ala (NM_001256896.2); c.1261C>G, p.Pro421Ala (NM_001301071.2); c.829C>G, p.Pro277Ala (NM_001363811.2); short protein forms P111A, P277A, P421A.
Identifiers: ClinVar variation 4070643 (VCV004070643.2).
Genomic context (GRCh38, chr4:3,493,247, plus strand): 5'-CTGCGGGCCCACTATGACACACCACGCAGCCTTTGCCTGGCTCCTAGAGACCACAGCCCC[C>G]CCTCACAGGGCAGCCCCGGCAACAGTGCGGCCAGGGACTCAGGCGGCCAGACGTCCGCCG-3'
Protein context (NP_775931.3, residues 411-431): LCLAPRDHSP[Pro421Ala]SQGSPGNSAA

ClinVar aggregate classification (germline): Conflicting classifications of pathogenicity. Review status: criteria provided, conflicting classifications (1 of 4 stars). 2 submissions from 2 submitters: Uncertain significance (1); Likely benign (1). Last evaluated 2026-07-29.

Conditions:
Inborn genetic diseases. Identifiers: MedGen C0950123, MeSH D030342.

gnomAD v4.1: 10 of 1,611,892 alleles (0.00062%); highest among the groups gnomAD compares: Admixed American, 0.0033%; no homozygotes.

Submissions (2):

Ambry Genetics
Classification: Likely benign for Inborn genetic diseases. Last evaluated: 2026-07-29. Review status: criteria provided, single submitter. Criteria: Ambry Variant Classification Scheme 2023. Collection method: clinical testing. Allele origin: germline.

GeneDx
Classification: Uncertain significance. Last evaluated: 2025-01-19. Review status: criteria provided, single submitter. Criteria: GeneDx Variant Classification Process June 2021. Collection method: clinical testing. Allele origin: germline. Affected: yes.
Comment: Not observed at significant frequency in large population cohorts (gnomAD); In silico analysis indicates that this missense variant does not alter protein structure/function; Has not been previously published as pathogenic or benign to our knowledge